The following is an entry in ClinVar:

NM_182961.4(SYNE1):c.11395G>A (p.Glu3799Lys)

Gene: SYNE1 (spectrin repeat containing nuclear envelope protein 1; minus strand). Cytogenetic location: 6q25.2.
Variant type: single nucleotide variant.
Coding change: c.11395G>A on transcript NM_182961.4 (MANE Select); coding-DNA position 11395, G replaced by A.
Protein change: p.Glu3799Lys; replaces glutamic acid 3799 with lysine.
Molecular consequence: missense variant.
Genome position (GRCh38, 1-based): chr6:152,352,212, C>T on the plus strand (G>A on the coding strand, the complement: SYNE1 is on the minus strand). VCF-style: chr6-152352212-C-T. GRCh37 (hg19) VCF-style: chr6-152673347-C-T.
Other names: c.11350G>A, p.Glu3784Lys (NM_033071.5); short protein forms E3799K, E3784K.
Identifiers: ClinVar variation 286166 (VCV000286166.11), dbSNP rs879779013, ClinGen allele CA10605383.

ClinVar aggregate classification (germline): Uncertain significance. Review status: criteria provided, multiple submitters, no conflicts (2 of 4 stars). 3 submissions from 3 submitters: Uncertain significance (3). Last evaluated 2023-06-30.

Conditions:
Autosomal recessive ataxia, Beauce type. Also called: Spinocerebellar ataxia, autosomal recessive 8; ATAXIA, RECESSIVE, OF BEAUCE; SYNE1 Deficiency; SYNE1-Related Autosomal Recessive Cerebellar Ataxia. Identifiers: Orphanet 88644, MedGen C1853116, MONDO:0012549, OMIM 610743.
Emery-Dreifuss muscular dystrophy 4, autosomal dominant (EDMD4). Also called: EMERY-DREIFUSS MUSCULAR DYSTROPHY 4 WITH VARIABLE FEATURES. Identifiers: Orphanet 261, MedGen C2751807, MONDO:0013071, OMIM 612998.

Allele frequency attached by ClinVar (database versions not stated): gnomAD exomes below 0.00001; gnomAD 0.00001 and 0.00003; TOPMed 0.00004.
gnomAD v4.1: 8 of 1,614,014 alleles (0.0005%); highest among the groups gnomAD compares: Non-Finnish European, 0.00042%; no homozygotes.

Submissions (3):

Labcorp Genetics (formerly Invitae), Labcorp
Classification: Uncertain significance for Emery-Dreifuss muscular dystrophy 4, autosomal dominant; Autosomal recessive ataxia, Beauce type. Last evaluated: 2023-06-30. Review status: criteria provided, single submitter. Criteria: Invitae Variant Classification Sherloc (09022015). Collection method: clinical testing. Allele origin: germline.
Comment: This sequence change replaces glutamic acid, which is acidic and polar, with lysine, which is basic and polar, at codon 3784 of the SYNE1 protein (p.Glu3784Lys). This variant is present in population databases (no rsID available, gnomAD 0.0009%). This variant has not been reported in the literature in individuals affected with SYNE1-related conditions. ClinVar contains an entry for this variant (Variation ID: 286166). An algorithm developed to predict the effect of missense changes on protein structure and function (PolyPhen-2) suggests that this variant¬†is likely to be tolerated. In summary, the available evidence is currently insufficient to determine the role of this variant in disease. Therefore, it has been classified as a Variant of Uncertain Significance.

GeneDx
Classification: Uncertain significance. Last evaluated: 2017-09-28. Review status: criteria provided, single submitter. Criteria: GeneDx Variant Classification (06012015). Collection method: clinical testing. Allele origin: germline. Affected: yes.
Comment: The E3784K variant in the SYNE1 gene has not been reported previously as a pathogenic variant, nor as a benign variant, to our knowledge. The E3784K variant is not observed at a significant frequency in large population cohorts (Lek et al., 2016). The E3784K variant is a non-conservative amino acid substitution, which occurs at a position that is not conserved. In silico analysis is inconsistent in its predictions as to whether or not the variant is damaging to the protein structure/function. We interpret E3784K as a variant of uncertain significance.

Eurofins Ntd Llc (ga)
Classification: Uncertain significance. Last evaluated: 2017-02-28. Review status: criteria provided, single submitter. Criteria: EGL Classification Definitions 2015. Collection method: clinical testing. Allele origin: germline. Observed: 5 variant alleles, 5 heterozygotes.